The following is an entry in ClinVar:

NM_058172.6(ANTXR2):c.*5425G>A

Gene: ANTXR2 (ANTXR cell adhesion molecule 2; minus strand). Cytogenetic location: 4q21.21.
Variant type: single nucleotide variant.
Coding change: c.*5425G>A on transcript NM_058172.6 (MANE Select); 5425 bases downstream of the stop codon, G replaced by A.
Molecular consequence: 3 prime UTR variant.
Genome position (GRCh38, 1-based): chr4:79,902,004, C>T on the plus strand (G>A on the coding strand, the complement: ANTXR2 is on the minus strand). VCF-style: chr4-79902004-C-T. GRCh37 (hg19) VCF-style: chr4-80823158-C-T.
Other names: c.*5425G>A (NM_001286780.2, NM_001286781.2).
Identifiers: ClinVar variation 906916 (VCV000906916.4), dbSNP rs568935269, ClinGen allele CA100488109.

ClinVar aggregate classification (germline): Likely benign (1 of 4 stars; one submission).

Conditions:
Hyaline fibromatosis syndrome (HFS). Also called: Hyalinosis, Inherited Systemic; HYALINOSIS, SYSTEMIC. Identifiers: Orphanet 2028, Orphanet 498474, MedGen C5574677, MONDO:0009229, OMIM 228600.

Allele frequency attached by ClinVar (database versions not stated): gnomAD 0.00001 and 0.00029; TOPMed 0.00008; 1000 Genomes Project 30x 0.00219; 1000 Genomes Project 0.00260.

Submission:

Illumina Laboratory Services, Illumina
Classification: Likely benign for Hyaline fibromatosis syndrome. Last evaluated: 2018-01-13. Review status: criteria provided, single submitter. Criteria: ICSL Variant Classification Criteria 13 December 2019. Collection method: clinical testing. Allele origin: germline.
Comment: This variant was observed in the ICSL laboratory as part of a predisposition screen in an ostensibly healthy population. It had not been previously curated by ICSL or reported in the Human Gene Mutation Database (HGMD: prior to June 1st, 2018), and was therefore a candidate for classification through an automated scoring system. Utilizing variant allele frequency, disease prevalence and penetrance estimates, and inheritance mode, an automated score was calculated to assess if this variant is too frequent to cause the disease. Based on the score and internal cut-off values, a variant classified as likely benign is not then subjected to further curation. The score for this variant resulted in a classification of likely benign for this disease.